The following is an entry in ClinVar:

NM_003079.5(SMARCE1):c.328G>A (p.Glu110Lys)

Gene: SMARCE1 (SWI/SNF related BAF chromatin remodeling complex subunit E1; minus strand). Cytogenetic location: 17q21.2.
Variant type: single nucleotide variant.
Coding change: c.328G>A on transcript NM_003079.5 (MANE Select); coding-DNA position 328, G replaced by A.
Protein change: p.Glu110Lys; replaces glutamic acid 110 with lysine.
Molecular consequence: missense variant.
Genome position (GRCh38, 1-based): chr17:40,636,436, C>T on the plus strand (G>A on the coding strand, the complement: SMARCE1 is on the minus strand). VCF-style: chr17-40636436-C-T. GRCh37 (hg19) VCF-style: chr17-38792688-C-T.
Other names: short protein forms E110K.
Identifiers: ClinVar variation 1352605 (VCV001352605.8), dbSNP rs2143997316, ClinGen allele CA399367137.

ClinVar aggregate classification (germline): Uncertain significance (1 of 4 stars; one submission).

Conditions:
Familial meningioma. Also called: Meningioma, familial, susceptibility to. Identifiers: Orphanet 263662, MedGen C3551915, MONDO:0011789, OMIM 607174.

Allele frequency attached by ClinVar (database versions not stated): gnomAD exomes below 0.00001.
gnomAD v4.1: 1 of 1,612,508 alleles (0.000062%); highest among the groups gnomAD compares: African/African-American, 0.0013%; no homozygotes.

Submission:

Labcorp Genetics (formerly Invitae), Labcorp
Classification: Uncertain significance for Familial meningioma. Last evaluated: 2021-05-09. Review status: criteria provided, single submitter. Criteria: Invitae Variant Classification Sherloc (09022015). Collection method: clinical testing. Allele origin: germline.
Comment: In summary, the available evidence is currently insufficient to determine the role of this variant in disease. Therefore, it has been classified as a Variant of Uncertain Significance. Algorithms developed to predict the effect of missense changes on protein structure and function are either unavailable or do not agree on the potential impact of this missense change (SIFT: "Tolerated"; PolyPhen-2: "Possibly Damaging"; Align-GVGD: "Class C0"). This variant has not been reported in the literature in individuals with SMARCE1-related conditions. This variant is not present in population databases (ExAC no frequency). This sequence change replaces glutamic acid with lysine at codon 110 of the SMARCE1 protein (p.Glu110Lys). The glutamic acid residue is moderately conserved and there is a small physicochemical difference between glutamic acid and lysine.